The following is an entry in ClinVar:

ClinVar aggregate classification (germline): Uncertain significance. Review status: criteria provided, multiple submitters, no conflicts (2 of 4 stars). 3 submissions from 3 submitters: Uncertain significance (3). Last evaluated 2024-12-28.

Conditions:
GPD1-related disorder. Also called: GPD1-related condition.

Allele frequency attached by ClinVar (database versions not stated): ExAC 0.00007; gnomAD exomes 0.00008; gnomAD 0.00009; TOPMed 0.00011.
gnomAD v4.1: 113 of 1,610,146 alleles (0.007%); highest among the groups gnomAD compares: Middle Eastern, 0.033%; no homozygotes.

Submissions (3):

PreventionGenetics, part of Exact Sciences
Classification: Uncertain significance for GPD1-related condition. Last evaluated: 2024-12-28. Review status: criteria provided, single submitter. Criteria: ACMG Guidelines, 2015. Collection method: clinical testing. Allele origin: germline.
Comment: The GPD1 c.836G>A variant is predicted to result in the amino acid substitution p.Arg279His. This variant was associated with in an increased risk of hypertriglyceridemia in a polygenic risk study (Table S2 in Deshotels et al. 2022. PubMed ID: 36325899). This variant is reported in 0.013% of alleles in individuals of South Asian descent in gnomAD. At this time, the clinical significance of this variant is uncertain due to the absence of conclusive functional and genetic evidence.

Blueprint Genetics
Classification: Uncertain significance. Last evaluated: 2024-10-01. Review status: criteria provided, single submitter. Criteria: ACMG Guidelines, 2015. Collection method: clinical testing. Allele origin: germline.

Labcorp Genetics (formerly Invitae), Labcorp
Classification: Uncertain significance. Last evaluated: 2021-09-01. Review status: criteria provided, single submitter. Criteria: Invitae Variant Classification Sherloc (09022015). Collection method: clinical testing. Allele origin: germline.
Comment: This sequence change replaces arginine with histidine at codon 279 of the GPD1 protein (p.Arg279His). The arginine residue is moderately conserved and there is a small physicochemical difference between arginine and histidine. This variant is present in population databases (rs775905186, ExAC 0.01%). This variant has not been reported in the literature in individuals affected with GPD1-related conditions. Algorithms developed to predict the effect of missense changes on protein structure and function output the following: SIFT: "Deleterious"; PolyPhen-2: "Benign"; Align-GVGD: "Class C0". The histidine amino acid residue is found in multiple mammalian species, which suggests that this missense change does not adversely affect protein function. In summary, the available evidence is currently insufficient to determine the role of this variant in disease. Therefore, it has been classified as a Variant of Uncertain Significance.

NM_005276.4(GPD1):c.836G>A (p.Arg279His)

Gene: GPD1 (glycerol-3-phosphate dehydrogenase 1; plus strand). Cytogenetic location: 12q13.12.
Variant type: single nucleotide variant.
Coding change: c.836G>A on transcript NM_005276.4 (MANE Select); coding-DNA position 836, G replaced by A.
Protein change: p.Arg279His; replaces arginine 279 with histidine.
Molecular consequence: missense variant.
Genome position (GRCh38, 1-based): chr12:50,107,790, G>A. VCF-style: chr12-50107790-G-A. GRCh37 (hg19) VCF-style: chr12-50501573-G-A.
Other names: c.767G>A, p.Arg256His (NM_001257199.2); c.836G>A (NM_005276.3); short protein forms R256H, R279H.
Identifiers: ClinVar variation 1432736 (VCV001432736.7), dbSNP rs775905186, ClinGen allele CA6561760.
Genomic context (GRCh38, chr12:50,107,790, plus strand): 5'-CTGACCTGATCACTACCTGCTATGGAGGGCGGAACCGGAAAGTGGCTGAGGCCTTTGCGC[G>A]TACAGGAAAGGTGGGCCCCGGGAGAAGGGAGAACAGAGGGGCGGCTCTGTAGGCATCCAG-3'
Protein context (NP_005267.2, residues 269-289): RNRKVAEAFA[Arg279His]TGKSIEQLEK